The following is an entry in ClinVar:

ClinVar aggregate classification (germline): Conflicting classifications of pathogenicity. Review status: criteria provided, conflicting classifications (1 of 4 stars). 5 submissions from 5 submitters: Uncertain significance (1); Likely benign (4). Last evaluated 2026-08-20.

Conditions:
Hereditary cancer-predisposing syndrome. Also called: Neoplastic Syndromes, Hereditary; Hereditary neoplastic syndrome; Hereditary Cancer Syndrome; Tumor predisposition. Identifiers: Orphanet 140162, MedGen C0027672, MeSH D009386, MONDO:0015356.
Tuberous sclerosis 1 (TSC1). Identifiers: Orphanet 805, MedGen C1854465, MONDO:0008612, OMIM 191100.
Lymphangiomyomatosis (LAM). Also called: Lymphangioleiomyomatosis, somatic; Lymphangioleiomyomatosis. Identifiers: Orphanet 538, MedGen C0751674, MONDO:0011705, OMIM 606690.
Isolated focal cortical dysplasia type II (FCORD2). Also called: CORTICAL DYSPLASIA OF TAYLOR; Focal cortical dysplasia type II. Identifiers: Orphanet 268994, MedGen C1846385, MONDO:0011818, OMIM 607341, HP:0032051.
Tuberous sclerosis syndrome (TSC). Also called: Tuberous Sclerosis Complex; Tuberous sclerosis. Identifiers: Orphanet 805, MedGen C0041341, MONDO:0001734.

Allele frequency attached by ClinVar (database versions not stated): gnomAD exomes below 0.00001.
gnomAD v4.1: 1 of 1,614,042 alleles (0.000062%); highest among the groups gnomAD compares: Admixed American, 0.0017%; no homozygotes.

Submissions (5):

Ambry Genetics
Classification: Likely benign for Hereditary cancer-predisposing syndrome. Last evaluated: 2026-08-20. Review status: criteria provided, single submitter. Criteria: Ambry Variant Classification Scheme 2023. Collection method: clinical testing. Allele origin: germline.

Myriad Genetics, Inc.
Classification: Likely benign for Tuberous sclerosis 1. Last evaluated: 2025-04-25. Review status: criteria provided, single submitter. Criteria: Myriad Autosomal Dominant, Autosomal Recessive and X-Linked Classification Criteria (2023). Collection method: clinical testing. Allele origin: unknown.
Comment: This variant is considered likely benign. This variant is intronic and is not expected to impact mRNA splicing.

Labcorp Genetics (formerly Invitae), Labcorp
Classification: Likely benign for Tuberous sclerosis 1. Last evaluated: 2024-12-16. Review status: criteria provided, single submitter. Criteria: Invitae Variant Classification Sherloc (09022015). Collection method: clinical testing. Allele origin: germline.

All of Us Research Program, National Institutes of Health
Classification: Likely benign for Tuberous sclerosis syndrome. Last evaluated: 2024-07-29. Review status: criteria provided, single submitter. Criteria: ACMG Guidelines, 2015. Collection method: clinical testing. Allele origin: germline. Inheritance: Autosomal dominant inheritance. Observed: 1 variant allele, 1 heterozygote.
Comment: This study involves interpretation of variants in research participants for the purpose of population health screening. Participant phenotype was not available at the time of variant classification. Additional details can be found in publication PMID: 35346344, PMCID: PMC8962531

Fulgent Genetics
Classification: Uncertain significance for Tuberous sclerosis 1; Lymphangiomyomatosis; Isolated focal cortical dysplasia type II. Last evaluated: 2024-05-25. Review status: criteria provided, single submitter. Criteria: ACMG Guidelines, 2015. Collection method: clinical testing. Allele origin: germline.

NM_000368.5(TSC1):c.2503-3T>C

Gene: TSC1 (TSC complex subunit 1; minus strand). Cytogenetic location: 9q34.13.
Variant type: single nucleotide variant.
Coding change: c.2503-3T>C on transcript NM_000368.5 (MANE Select); 3 bases into the intron before coding-DNA position 2503, T replaced by C.
Molecular consequence: intron variant.
Genome position (GRCh38, 1-based): chr9:132,900,840, A>G on the plus strand (T>C on the coding strand, the complement: TSC1 is on the minus strand). VCF-style: chr9-132900840-A-G. GRCh37 (hg19) VCF-style: chr9-135776227-A-G.
Other names: c.2140-3T>C (NM_001362177.2); c.2350-3T>C (NM_001162427.2); c.2500-3T>C (NM_001162426.2).
Identifiers: ClinVar variation 466082 (VCV000466082.13), dbSNP rs1355806067, ClinGen allele CA591056821.
Genomic context (GRCh38, chr9:132,900,840, plus strand): 5'-CCAACAGCTGCCTGTTCAAGAACTCCATCTGCTGCTGGACCGACTCACTGTTTGAGAGCT[A>G]ACCAAAAAACATGAGCAAAGTGAAAAATCCGACGACATAAAACTAGCACATAGACGTCAT-3'